The following is an entry in ClinVar:

ClinVar aggregate classification (germline): Uncertain significance (1 of 4 stars; one submission).

Conditions:
Hereditary spastic paraplegia 11. Also called: Nakamura Osame syndrome; Autosomal recessive hereditary spastic paraplegia, mental impairment, and thin corpus callosum; SPASTIC PARAPLEGIA, AUTOSOMAL RECESSIVE, COMPLICATED, WITH THIN CORPUS CALLOSUM; SPASTIC PARAPLEGIA, AUTOSOMAL RECESSIVE, WITH MENTAL IMPAIRMENT AND THIN CORPUS CALLOSUM; Spastic paraplegia, mental retardation and thin corpus callosum; Spastic Paraplegia 11. Identifiers: Orphanet 2822, MedGen C1858479, MONDO:0011445, OMIM 604360.

Allele frequency attached by ClinVar (database versions not stated): TOPMed below 0.00001.

Submission:

Labcorp Genetics (formerly Invitae), Labcorp
Classification: Uncertain significance for Hereditary spastic paraplegia 11. Last evaluated: 2022-07-19. Review status: criteria provided, single submitter. Criteria: Invitae Variant Classification Sherloc (09022015). Collection method: clinical testing. Allele origin: germline.
Comment: This sequence change replaces isoleucine, which is neutral and non-polar, with phenylalanine, which is neutral and non-polar, at codon 896 of the SPG11 protein (p.Ile896Phe). This variant is not present in population databases (gnomAD no frequency). This variant has not been reported in the literature in individuals affected with SPG11-related conditions. ClinVar contains an entry for this variant (Variation ID: 1490336). Algorithms developed to predict the effect of missense changes on protein structure and function are either unavailable or do not agree on the potential impact of this missense change (SIFT: "Deleterious"; PolyPhen-2: "Possibly Damaging"; Align-GVGD: "Class C0"). In summary, the available evidence is currently insufficient to determine the role of this variant in disease. Therefore, it has been classified as a Variant of Uncertain Significance.

NM_025137.4(SPG11):c.2686A>T (p.Ile896Phe)

Gene: SPG11 (SPG11 vesicle trafficking associated, spatacsin; minus strand). Cytogenetic location: 15q21.1.
Variant type: single nucleotide variant.
Coding change: c.2686A>T on transcript NM_025137.4 (MANE Select); coding-DNA position 2686, A replaced by T.
Protein change: p.Ile896Phe; replaces isoleucine 896 with phenylalanine.
Molecular consequence: missense variant.
Genome position (GRCh38, 1-based): chr15:44,620,338, T>A on the plus strand (A>T on the coding strand, the complement: SPG11 is on the minus strand). VCF-style: chr15-44620338-T-A. GRCh37 (hg19) VCF-style: chr15-44912536-T-A.
Other names: c.2686A>T, p.Ile896Phe (NM_001160227.2); short protein forms I896F.
Identifiers: ClinVar variation 1490336 (VCV001490336.6), dbSNP rs753479999, ClinGen allele CA392230852.